The following is an entry in ClinVar:

NM_004560.4(ROR2):c.1397_1398del (p.Lys466fs)

Gene: ROR2 (receptor tyrosine kinase like orphan receptor 2; minus strand). Cytogenetic location: 9q22.31.
Variant type: Deletion.
Coding change: c.1397_1398del on transcript NM_004560.4 (MANE Select); coding-DNA positions 1397 to 1398, 2 bases deleted (AA; older notation c.1397_1398delAA).
Protein change: p.Lys466fs; shifts the reading frame from lysine 466.
Molecular consequence: frameshift variant.
Genome position (GRCh38, 1-based): chr9:91,725,096-91,725,097, TT deleted on the plus strand (AA on the coding strand, the reverse complement: ROR2 is on the minus strand); deleting any 2 consecutive bases within chr9:91,725,096-91,725,098 gives the same sequence; the c. name uses the placement nearest the transcript's 3' end. VCF-style (leftmost placement, unchanged base first): chr9-91725095-CTT-C. GRCh37 (hg19) VCF-style: chr9-94487377-CTT-C.
Other names: short protein forms K466fs.
Identifiers: ClinVar variation 3382348 (VCV003382348.3).
Genomic context (GRCh38, chr9:91,725,095, plus strand): 5'-CTTTCCCAAACCGGTCCTCTCCCAGCTCCTCCATGAACCTCACCGCAGACAGGCTGATCT[CTT>C]TGAGTTTGGCCTGTCAAGAAGAAAAGCCCCACGTGAAACATCACTGTCACCGCAGCCCTG-3'

ClinVar aggregate classification (germline): Conflicting classifications of pathogenicity. Review status: criteria provided, conflicting classifications (1 of 4 stars). 2 submissions from 2 submitters: Likely pathogenic (1); Uncertain significance (1). Last evaluated 2026-01-06.

Conditions:
Brachydactyly type B1 (BDB1). Identifiers: Orphanet 572385, Orphanet 93383, MedGen C1862112, MONDO:0007220, OMIM 113000.

Submissions (2):

Labcorp Genetics (formerly Invitae), Labcorp
Classification: Uncertain significance. Last evaluated: 2026-01-06. Review status: criteria provided, single submitter. Criteria: Invitae Variant Classification Sherloc (09022015). Collection method: clinical testing. Allele origin: germline.
Comment: This sequence change creates a premature translational stop signal (p.Lys466Argfs*58) in the ROR2 gene. While this is not anticipated to result in nonsense mediated decay, it is expected to disrupt the last 478 amino acid(s) of the ROR2 protein. This variant is not present in population databases (gnomAD no frequency). This premature translational stop signal has been observed in individual(s) with autosomal dominant brachydactyly (PMID: 24954533; Brachydactyly). It has also been observed to segregate with disease in related individuals. This variant is also known as c.1396_1398delAA. ClinVar contains an entry for this variant (Variation ID: 3382348). In summary, the available evidence is currently insufficient to determine the role of this variant in disease. Therefore, it has been classified as a Variant of Uncertain Significance.

Juno Genomics, Hangzhou Juno Genomics, Inc
Classification: Likely pathogenic for Brachydactyly type B1. Review status: criteria provided, single submitter. Criteria: ACMG Guidelines, 2015. Collection method: clinical testing. Allele origin: germline. Affected: yes.
Comment: Absent from controls (or at extremely low frequency if recessive) in Genome Aggregation Database, Exome Sequencing Project, 1000 Genomes Project, or Exome Aggregation Consortium.;Null variant in a gene where loss of function (LOF) is a known mechanism of disease.;Patient's phenotype or family history is highly specific for a disease with a single genetic etiology.;The prevalence of the variant in affected individuals is significantly increased compared to the prevalence in controls.

Literature cited by the submitters: PubMed 24954533 (cited by Labcorp Genetics (formerly Invitae), Labcorp).